The following is an entry in ClinVar:

ClinVar aggregate classification (germline): Benign. Review status: criteria provided, multiple submitters, no conflicts (2 of 4 stars). 2 submissions from 2 submitters: Benign (2). Last evaluated 2019-01-14.

Allele frequency attached by ClinVar (database versions not stated): 1000 Genomes Project 0.79373; 1000 Genomes Project 30x 0.79997; gnomAD exomes 0.81393; ExAC 0.81864; gnomAD 0.85788 and 0.86670; TOPMed 0.86095; ESP Exome Variant Server 0.87736.
gnomAD v4.1: 1,347,619 of 1,612,318 alleles (84%); highest among the groups gnomAD compares: African/African-American, 94%; 567,233 homozygotes.

Submissions (2):

GeneDx
Classification: Benign. Last evaluated: 2019-01-14. Review status: criteria provided, single submitter. Criteria: GeneDx Variant Classification Process June 2021. Collection method: clinical testing. Allele origin: germline. Affected: yes.
Comment: This variant is associated with the following publications: (PMID: 15866548, 17822820)

Breakthrough Genomics
Classification: Benign. Review status: criteria provided, single submitter. Criteria: ACMG Guidelines, 2015. Collection method: not provided. Allele origin: germline. Inheritance: Other. Affected: yes.

NM_004327.4(BCR):c.2387A>G (p.Asn796Ser)

Gene: BCR (BCR activator of RhoGEF and GTPase; plus strand). Cytogenetic location: 22q11.23.
Variant type: single nucleotide variant.
Coding change: c.2387A>G on transcript NM_004327.4 (MANE Select); coding-DNA position 2387, A replaced by G.
Protein change: p.Asn796Ser; replaces asparagine 796 with serine.
Molecular consequence: missense variant.
Genome position (GRCh38, 1-based): chr22:23,285,182, A>G. VCF-style: chr22-23285182-A-G. GRCh37 (hg19) VCF-style: chr22-23627369-A-G.
Other names: c.2387A>G, p.Asn796Ser (NM_021574.3); short protein forms N796S.
Identifiers: ClinVar variation 1182413 (VCV001182413.3), dbSNP rs140504, ClinGen allele CA10142571.